The following is an entry in ClinVar:

NM_017950.4(CCDC40):c.463del (p.Arg155fs)

Gene: CCDC40 (coiled-coil domain 40 molecular ruler complex subunit; plus strand). Cytogenetic location: 17q25.3.
Variant type: Deletion.
Coding change: c.463del on transcript NM_017950.4 (MANE Select); coding-DNA position 463, one base deleted (A; older notation c.463delA).
Protein change: p.Arg155fs; shifts the reading frame from arginine 155.
Molecular consequence: frameshift variant.
Genome position (GRCh38, 1-based): chr17:80,040,181, A deleted. VCF-style (leftmost placement, unchanged base first): chr17-80040180-GA-G. GRCh37 (hg19) VCF-style: chr17-78013979-GA-G.
Other names: c.463del, p.Arg155fs (NM_001243342.2, NM_001330508.2); short protein forms R155fs.
Identifiers: ClinVar variation 2761052 (VCV002761052.3), dbSNP rs2510284280, ClinGen allele CA2697555270.

ClinVar aggregate classification (germline): Pathogenic (1 of 4 stars; one submission).

Conditions:
Primary ciliary dyskinesia. Also called: Ciliary dyskinesia. Identifiers: Orphanet 244, MedGen C0008780, MONDO:0016575, HP:0012265.

Submission:

Labcorp Genetics (formerly Invitae), Labcorp
Classification: Pathogenic for Primary ciliary dyskinesia. Last evaluated: 2023-10-05. Review status: criteria provided, single submitter. Criteria: Invitae Variant Classification Sherloc (09022015). Collection method: clinical testing. Allele origin: germline.
Comment: This sequence change creates a premature translational stop signal (p.Arg155Glyfs*12) in the CCDC40 gene. It is expected to result in an absent or disrupted protein product. Loss-of-function variants in CCDC40 are known to be pathogenic (PMID: 21131974, 22693285, 23255504). This variant is not present in population databases (gnomAD no frequency). This variant has not been reported in the literature in individuals affected with CCDC40-related conditions. For these reasons, this variant has been classified as Pathogenic.

Literature cited by the submitters: PubMed 21131974; PubMed 22693285; PubMed 23255504.